The following is an entry in ClinVar:

NM_001429.4(EP300):c.5604G>A (p.Thr1868=)

Gene: EP300 (EP300 lysine acetyltransferase; plus strand). Cytogenetic location: 22q13.2.
Variant type: single nucleotide variant.
Coding change: c.5604G>A on transcript NM_001429.4 (MANE Select); coding-DNA position 5604, G replaced by A.
Protein change: p.Thr1868=; no amino-acid change (threonine 1868 retained).
Molecular consequence: synonymous variant.
Genome position (GRCh38, 1-based): chr22:41,177,315, G>A. VCF-style: chr22-41177315-G-A. GRCh37 (hg19) VCF-style: chr22-41573319-G-A.
Other names: c.5526G>A, p.Thr1842= (NM_001362843.2).
Identifiers: ClinVar variation 341816 (VCV000341816.38), dbSNP rs200795114, ClinGen allele CA10253666.

ClinVar aggregate classification (germline): Benign/Likely benign. Review status: criteria provided, multiple submitters, no conflicts (2 of 4 stars). 5 submissions from 5 submitters: Benign (1); Likely benign (3). 1 of the submissions does not count toward it. Last evaluated 2026-01-05.

Conditions:
EP300-related disorder. Also called: EP300-related condition; EP300-related disorders.
Rubinstein-Taybi syndrome due to EP300 haploinsufficiency. Also called: RUBINSTEIN-TAYBI SYNDROME 2; EP300-Related Rubinstein-Taybi Syndrome. Identifiers: Orphanet 353284, Orphanet 783, MedGen C3150941, MONDO:0013364, OMIM 613684.

Allele frequency attached by ClinVar (database versions not stated): ExAC 0.00009; ESP Exome Variant Server 0.00015; gnomAD 0.00015; TOPMed 0.00015.
gnomAD v4.1: 247 of 1,613,636 alleles (0.015%); highest among the groups gnomAD compares: Non-Finnish European, 0.014%; no homozygotes.

Submissions (5):

Labcorp Genetics (formerly Invitae), Labcorp
Classification: Likely benign for Rubinstein-Taybi syndrome due to EP300 haploinsufficiency. Last evaluated: 2026-01-05. Review status: criteria provided, single submitter. Criteria: Invitae Variant Classification Sherloc (09022015). Collection method: clinical testing. Allele origin: germline.

Blueprint Genetics
Classification: Likely benign. Last evaluated: 2024-10-04. Review status: criteria provided, single submitter. Criteria: ACMG Guidelines, 2015. Collection method: clinical testing. Allele origin: germline.

CeGaT Center for Human Genetics Tuebingen
Classification: Likely benign. Last evaluated: 2023-11-01. Review status: criteria provided, single submitter. Criteria: CeGaT Center For Human Genetics Tuebingen Variant Classification Criteria Version 2. Collection method: clinical testing. Allele origin: germline. Affected: yes. Observed: 1 variant allele.
Comment: EP300: BP4, BP7

GeneDx
Classification: Benign. Last evaluated: 2020-02-10. Review status: criteria provided, single submitter. Criteria: GeneDx Variant Classification Process June 2021. Collection method: clinical testing. Allele origin: germline. Affected: yes.

PreventionGenetics, part of Exact Sciences
Classification: Likely benign for EP300-related condition. Last evaluated: 2021-06-09. Review status: no assertion criteria provided. Collection method: clinical testing. Allele origin: germline. Not counted in ClinVar's aggregate classification.
Comment: This variant is classified as likely benign based on ACMG/AMP sequence variant interpretation guidelines (Richards et al. 2015 PMID: 25741868, with internal and published modifications).